The following is an entry in ClinVar:

ClinVar aggregate classification (germline): Pathogenic/Likely pathogenic. Review status: criteria provided, multiple submitters, no conflicts (2 of 4 stars). 6 submissions from 6 submitters: Pathogenic (4); Likely pathogenic (2). Last evaluated 2026-02-09.

Conditions:
Oculocutaneous albinism. Identifiers: Orphanet 55, MedGen C0078918, MONDO:0018910.
Oculocutaneous albinism type 1A (OCA1A). Also called: Albinism, oculocutaneous, type IA. Identifiers: Orphanet 352731, Orphanet 79431, MedGen C4551504, MONDO:0008745, OMIM 203100. Disease mechanism: loss of function.
Oculocutaneous albinism type 1B (OCA1B). Also called: ALBINISM, OCULOCUTANEOUS, TYPE IB; ALBINISM, YELLOW MUTANT TYPE; YELLOW ALBINISM. Identifiers: Orphanet 352731, Orphanet 352737, Orphanet 79434, MedGen C1847024, MONDO:0011749, OMIM 606952.
SKIN/HAIR/EYE PIGMENTATION 3, LIGHT/DARK SKIN (SHEP3). Also called: SKIN/HAIR/EYE PIGMENTATION, VARIATION IN, 3; EYE COLOR 1; EYE COLOR, GREEN/BLUE; SKIN/HAIR/EYE PIGMENTATION 3, BLUE/GREEN EYE COLOR; SKIN/HAIR/EYE PIGMENTATION 3, FRECKLING. Identifiers: MedGen C2677190, OMIM 601800.
TYR-related disorder. Also called: TYR-related condition.
Oculocutaneous albinism type 1. Also called: Albinism 1; ALBINISM I. Identifiers: Orphanet 352731, MedGen C0268494, MONDO:0018135. Disease mechanism: loss of function.

Allele frequency attached by ClinVar (database versions not stated): ExAC 0.00001.
gnomAD v4.1: 11 of 1,614,074 alleles (0.00068%); highest among the groups gnomAD compares: East Asian, 0.0022%; no homozygotes.

Submissions (6):

PreventionGenetics, part of Exact Sciences
Classification: Pathogenic for TYR-related condition. Last evaluated: 2026-02-09. Review status: criteria provided, single submitter. Criteria: ACMG Guidelines, 2015. Collection method: clinical testing. Allele origin: germline.
Comment: The TYR c.593T>C variant is predicted to result in the amino acid substitution p.Ile198Thr. This variant has been reported in the homozygous state in four siblings from a consanguineous family with oculocutaneous albinism (Shah et al. 2014. PubMed ID: 24934919). This variant has also been reported along with another TYR variant in three individuals with oculocutaneous albinism (Table S1, Wei et al. 2021. PubMed ID: 34838614). An alternate substitution of this amino acid residue (p.Ile198Ser) has also been reported in individuals with oculocutaneous albinism (Table S1, Wei et al. 2021. PubMed ID: 34838614). This variant is present in 0.00088% of alleles in individuals of European (Non-Finnish) descent in gnomAD. This variant is interpreted as pathogenic.

Myriad Genetics, Inc.
Classification: Likely pathogenic for Oculocutaneous albinism type 1. Last evaluated: 2025-09-30. Review status: criteria provided, single submitter. Criteria: Myriad Autosomal Dominant, Autosomal Recessive and X-Linked Classification Criteria (2023). Collection method: clinical testing. Allele origin: unknown.
Comment: NM_000372.4(TYR):c.593T>C(I198T) is a missense variant classified as likely pathogenic in the context of oculocutaneous albinism, TYR-related. I198T has been observed in cases with relevant disease (PMID: 24934919, 34838614). Relevant functional assessments of this variant are not available in the literature. I198T has been observed in referenced population frequency databases. In summary, NM_000372.4(TYR):c.593T>C(I198T) is a missense variant that has been observed more frequently in cases with the relevant disease than in healthy populations. Please note: this variant was assessed in the context of healthy population screening.

Labcorp Genetics (formerly Invitae), Labcorp
Classification: Pathogenic. Last evaluated: 2024-10-29. Review status: criteria provided, single submitter. Criteria: Invitae Variant Classification Sherloc (09022015). Collection method: clinical testing. Allele origin: germline.
Comment: This sequence change replaces isoleucine, which is neutral and non-polar, with threonine, which is neutral and polar, at codon 198 of the TYR protein (p.Ile198Thr). This variant is present in population databases (rs750553908, gnomAD 0.0009%). This missense change has been observed in individual(s) with oculocutaneous albinism (PMID: 24934919). It has also been observed to segregate with disease in related individuals. ClinVar contains an entry for this variant (Variation ID: 2137228). Invitae Evidence Modeling of protein sequence and biophysical properties (such as structural, functional, and spatial information, amino acid conservation, physicochemical variation, residue mobility, and thermodynamic stability) indicates that this missense variant is expected to disrupt TYR protein function with a positive predictive value of 95%. For these reasons, this variant has been classified as Pathogenic.

Fulgent Genetics
Classification: Likely pathogenic for Oculocutaneous albinism type 1A; SKIN/HAIR/EYE PIGMENTATION 3, LIGHT/DARK SKIN; Oculocutaneous albinism type 1B. Last evaluated: 2024-04-17. Review status: criteria provided, single submitter. Criteria: ACMG Guidelines, 2015. Collection method: clinical testing. Allele origin: germline.

Women's Health and Genetics/Laboratory Corporation of America, LabCorp
Classification: Pathogenic for Oculocutaneous albinism. Last evaluated: 2024-04-11. Review status: criteria provided, single submitter. Criteria: LabCorp Variant Classification Summary - May 2015. Collection method: clinical testing. Allele origin: germline.
Comment: Variant summary: TYR c.593T>C (p.Ile198Thr) results in a non-conservative amino acid change located in the Tyrosinase copper-binding domain (IPR002227) of the encoded protein sequence. Five of five in-silico tools predict a damaging effect of the variant on protein function. The variant allele was found at a frequency of 4e-06 in 251456 control chromosomes (gnomAD). c.593T>C has been reported in the literature in multiple individuals affected with Oculocutaneous Albinism (Shah_2014, Wei_2022). These data indicate that the variant is very likely to be associated with disease. To our knowledge, no experimental evidence demonstrating an impact on protein function has been reported. The following publications have been ascertained in the context of this evaluation (PMID: 24934919, 34838614). ClinVar contains an entry for this variant (Variation ID: 2137228). Based on the evidence outlined above, the variant was classified as pathogenic.

Baylor Genetics
Classification: Pathogenic for SKIN/HAIR/EYE PIGMENTATION 3, LIGHT/DARK SKIN. Last evaluated: 2023-09-19. Review status: criteria provided, single submitter. Criteria: ACMG Guidelines, 2015. Collection method: clinical testing. Allele origin: unknown.

Literature cited by the submitters: PubMed 24934919 (cited by 3 submitters); PubMed 34838614 (cited by Myriad Genetics, Inc. and Women's Health and Genetics/Laboratory Corporation of America, LabCorp).

NM_000372.5(TYR):c.593T>C (p.Ile198Thr)

Gene: TYR (tyrosinase; plus strand). Cytogenetic location: 11q14.3.
Variant type: single nucleotide variant.
Coding change: c.593T>C on transcript NM_000372.5 (MANE Select); coding-DNA position 593, T replaced by C.
Protein change: p.Ile198Thr; replaces isoleucine 198 with threonine.
Molecular consequence: missense variant.
Genome position (GRCh38, 1-based): chr11:89,178,546, T>C. VCF-style: chr11-89178546-T-C. GRCh37 (hg19) VCF-style: chr11-88911714-T-C.
Other names: c.593T>C (NM_000372.4); short protein forms I198T.
Identifiers: ClinVar variation 2137228 (VCV002137228.8), dbSNP rs750553908, ClinGen allele CA6221148.